The following is an entry in ClinVar:

NM_013940.4(OR10H1):c.297T>C (p.Ser99=)

Gene: OR10H1 (olfactory receptor family 10 subfamily H member 1; minus strand). Cytogenetic location: 19p13.12.
Variant type: single nucleotide variant.
Coding change: c.297T>C on transcript NM_013940.4 (MANE Select); coding-DNA position 297, T replaced by C.
Protein change: p.Ser99=; no amino-acid change (serine 99 retained).
Molecular consequence: synonymous variant.
Genome position (GRCh38, 1-based): chr19:15,807,741, A>G on the plus strand (T>C on the coding strand, the complement: OR10H1 is on the minus strand). VCF-style: chr19-15807741-A-G. GRCh37 (hg19) VCF-style: chr19-15918551-A-G.
Identifiers: ClinVar variation 2649502 (VCV002649502.24), dbSNP rs1599311704, ClinGen allele CA506084504.
Genomic context (GRCh38, chr19:15,807,741, plus strand): 5'-GCCCATGACGGTGAGCAGGAAGGAGTGGGTGAAGCCGAAGCTGAAGGAGAAGAACATCTG[A>G]CTGGCACAGGCCAGGAAGGCGATGGAGCGCTGGGTGGACAGCAGGTCGGCCAGCATGCGC-3'
Protein context (NP_039228.1, residues 89-109): QRSIAFLACA[Ser99=]QMFFSFSFGF

ClinVar aggregate classification (germline): Likely benign (1 of 4 stars; one submission).

Submission:

CeGaT Center for Human Genetics Tuebingen
Classification: Likely benign. Last evaluated: 2022-11-01. Review status: criteria provided, single submitter. Criteria: CeGaT Center For Human Genetics Tuebingen Variant Classification Criteria Version 2. Collection method: clinical testing. Allele origin: germline. Affected: yes. Observed: 1 variant allele.
Comment: OR10H1: PM2:Supporting, BP4, BP7